The following is an entry in ClinVar:

ClinVar aggregate classification (germline): Uncertain significance (1 of 4 stars; one submission).

Submission:

CeGaT Center for Human Genetics Tuebingen
Classification: Uncertain significance. Last evaluated: 2022-10-01. Review status: criteria provided, single submitter. Criteria: CeGaT Center For Human Genetics Tuebingen Variant Classification Criteria Version 2. Collection method: clinical testing. Allele origin: germline. Affected: yes. Observed: 1 variant allele.
Comment: ANKRD11: PM2, BP4

NM_013275.6(ANKRD11):c.4972A>G (p.Thr1658Ala)

Gene: ANKRD11 (ankyrin repeat domain 11; minus strand). Cytogenetic location: 16q24.3.
Variant type: single nucleotide variant.
Coding change: c.4972A>G on transcript NM_013275.6 (MANE Select); coding-DNA position 4972, A replaced by G.
Protein change: p.Thr1658Ala; replaces threonine 1658 with alanine.
Molecular consequence: missense variant.
Genome position (GRCh38, 1-based): chr16:89,281,570, T>C on the plus strand (A>G on the coding strand, the complement: ANKRD11 is on the minus strand). VCF-style: chr16-89281570-T-C. GRCh37 (hg19) VCF-style: chr16-89347978-T-C.
Other names: c.4972A>G, p.Thr1658Ala (NM_001256182.2, NM_001256183.2); short protein forms T1658A.
Identifiers: ClinVar variation 2647073 (VCV002647073.24), dbSNP rs1238546281, ClinGen allele CA397156172.